The following is an entry in ClinVar:

NM_001854.4(COL11A1):c.3259G>A (p.Gly1087Arg)

Gene: COL11A1 (collagen type XI alpha 1 chain; minus strand). Cytogenetic location: 1p21.1.
Variant type: single nucleotide variant.
Coding change: c.3259G>A on transcript NM_001854.4 (MANE Select); coding-DNA position 3259, G replaced by A.
Protein change: p.Gly1087Arg; replaces glycine 1087 with arginine.
Molecular consequence: missense variant. On other transcripts: non-coding transcript variant (1).
Genome position (GRCh38, 1-based): chr1:102,946,866, C>T on the plus strand (G>A on the coding strand, the complement: COL11A1 is on the minus strand). VCF-style: chr1-102946866-C-T. GRCh37 (hg19) VCF-style: chr1-103412422-C-T.
Other names: c.2911G>A, p.Gly971Arg (NM_001168249.1, NM_080630.4); c.3142G>A, p.Gly1048Arg (NM_001190709.2); c.3295G>A, p.Gly1099Arg (NM_080629.3); short protein forms G1048R, G1087R, G1099R, G971R.
Identifiers: ClinVar variation 3060584 (VCV003060584.2), dbSNP rs2524791009, ClinGen allele CA341170925.

ClinVar aggregate classification (germline): Uncertain significance (0 of 4 stars; one submission).

Conditions:
COL11A1-related disorder. Also called: COL11A1-related disorders; COL11A1-related condition.

Submission:

PreventionGenetics, part of Exact Sciences
Classification: Uncertain significance for COL11A1-related condition. Last evaluated: 2024-01-24. Review status: no assertion criteria provided. Collection method: clinical testing. Allele origin: germline.
Comment: The COL11A1 c.3259G>A variant is predicted to result in the amino acid substitution p.Gly1087Arg. To our knowledge, this variant has not been reported in the literature or in a large population database, indicating this variant is rare. At this time, the clinical significance of this variant is uncertain due to the absence of conclusive functional and genetic evidence.